The following is an entry in ClinVar:

NM_001735.3(C5):c.3610C>T (p.Gln1204Ter)

Gene: C5 (complement C5; minus strand). Cytogenetic location: 9q33.2.
Variant type: single nucleotide variant.
Coding change: c.3610C>T on transcript NM_001735.3 (MANE Select); coding-DNA position 3610, C replaced by T.
Protein change: p.Gln1204Ter; replaces glutamine 1204 with a stop codon.
Molecular consequence: nonsense.
Genome position (GRCh38, 1-based): chr9:120,980,131, G>A on the plus strand (C>T on the coding strand, the complement: C5 is on the minus strand). VCF-style: chr9-120980131-G-A. GRCh37 (hg19) VCF-style: chr9-123742409-G-A.
Other names: c.3628C>T, p.Gln1210Ter (NM_001317163.2); short protein forms Q1204*, Q1210*.
Identifiers: ClinVar variation 4532110 (VCV004532110.1).
Genomic context (GRCh38, chr9:120,980,131, plus strand): 5'-AACAAGTTATACCTTTAACCAAAGCTTCTCTCTTCAAAGCTGAAACAATTGAACGAAACT[G>A]TGGGTGAGTTTTATCTCCCAGGGAAAGAGCATACGCAGAAATGGCCAATGTAAAGGTGCT-3'

ClinVar aggregate classification (germline): Pathogenic (1 of 4 stars; one submission).

Conditions:
Complement component 5 deficiency. Also called: C5 DEFICIENCY. Identifiers: MedGen C0343047, MONDO:0012295, OMIM 609536.

gnomAD v4.1: 1 of 1,614,122 alleles (0.000062%); highest among the groups gnomAD compares: Admixed American, 0.0017%; no homozygotes.

Submission:

Victorian Clinical Genetics Services, Murdoch Childrens Research Institute
Classification: Pathogenic for Complement component 5 deficiency. Last evaluated: 2024-11-24. Review status: criteria provided, single submitter. Criteria: ACMG Guidelines, 2015. Collection method: clinical testing. Allele origin: germline.
Comment: This variant is classified as Pathogenic. Evidence in support of pathogenic classification: Variant is predicted to cause nonsense-mediated decay (NMD) and loss of protein (premature termination codon is located at least 54 nucleotides upstream of the final exon-exon junction); Variant is present in gnomAD <0.01 for a recessive condition (v4: 1 heterozygote(s), 0 homozygote(s)); Other NMD-predicted variants comparable to the one identified in this case have very strong previous evidence for pathogenicity (DECIPHER). Additional information: This variant is homozygous; This gene is associated with autosomal recessive disease; This variant has no previous evidence of pathogenicity; No published segregation evidence has been identified for this variant; No published functional evidence has been identified for this variant; Loss of function is a known mechanism of disease in this gene and is associated with C5 deficiency (MIM#609536).